The following is an entry in ClinVar:

ClinVar aggregate classification (germline): Likely pathogenic (1 of 4 stars; one submission).

Conditions:
Kabuki syndrome 1 (KABUK1). Also called: KMT2D-Related Kabuki Syndrome. Identifiers: Orphanet 2322, MedGen CN030661, MONDO:0007843, OMIM 147920.

Submission:

MVZ Medizinische Genetik Mainz
Classification: Likely pathogenic for Kabuki syndrome 1. Last evaluated: 2026-01-08. Review status: criteria provided, single submitter. Criteria: UK Practice Guidelines For Variant Classification V4 01 2020. Collection method: clinical testing. Allele origin: germline. Inheritance: Autosomal dominant inheritance. Affected: yes. Observed: 1 variant allele.
Comment: ACMG Criteria: PVS1,PM2_SUP

NM_003482.4(KMT2D):c.3627dup (p.Asn1210Ter)

Genes: KMT2D (lysine methyltransferase 2D; minus strand), LOC126861520 (CDK7 strongly-dependent group 2 enhancer GRCh37_chr12:49442744-49443943; plus strand). Cytogenetic location: 12q13.12.
Variant type: Duplication.
Coding change: c.3627dup on transcript NM_003482.4 (MANE Select); coding-DNA position 3627, one base duplicated (T; older notation c.3627dupT).
Protein change: p.Asn1210Ter; replaces asparagine 1210 with a stop codon.
Molecular consequence: nonsense.
Genome position (GRCh38, 1-based): chr12:49,049,961, A duplicated on the plus strand (T on the coding strand, the reverse complement: KMT2D is on the minus strand). VCF-style (leftmost placement, unchanged base first): chr12-49049960-T-TA. GRCh37 (hg19) VCF-style: chr12-49443743-T-TA.
Other names: short protein forms N1210*.
Identifiers: ClinVar variation 5038204 (VCV005038204.1).